The following is an entry in ClinVar:

NM_206933.4(USH2A):c.6266G>A (p.Cys2089Tyr)

Gene: USH2A (usherin; minus strand). Cytogenetic location: 1q41.
Variant type: single nucleotide variant.
Coding change: c.6266G>A on transcript NM_206933.4 (MANE Select); coding-DNA position 6266, G replaced by A.
Protein change: p.Cys2089Tyr; replaces cysteine 2089 with tyrosine.
Molecular consequence: missense variant.
Genome position (GRCh38, 1-based): chr1:216,046,490, C>T on the plus strand (G>A on the coding strand, the complement: USH2A is on the minus strand). VCF-style: chr1-216046490-C-T. GRCh37 (hg19) VCF-style: chr1-216219832-C-T.
Other names: short protein forms C2089Y.
Identifiers: ClinVar variation 1464429 (VCV001464429.5), dbSNP rs2102524858, ClinGen allele CA344858815.

ClinVar aggregate classification (germline): Uncertain significance (1 of 4 stars; one submission).

Allele frequency attached by ClinVar (database versions not stated): gnomAD exomes below 0.00001.
gnomAD v4.1: 1 of 1,613,816 alleles (0.000062%); highest among the groups gnomAD compares: Non-Finnish European, 0.000085%; no homozygotes.

Submission:

Labcorp Genetics (formerly Invitae), Labcorp
Classification: Uncertain significance. Last evaluated: 2024-04-18. Review status: criteria provided, single submitter. Criteria: Invitae Variant Classification Sherloc (09022015). Collection method: clinical testing. Allele origin: germline.
Comment: This sequence change replaces cysteine, which is neutral and slightly polar, with tyrosine, which is neutral and polar, at codon 2089 of the USH2A protein (p.Cys2089Tyr). This variant is not present in population databases (gnomAD no frequency). This variant has not been reported in the literature in individuals affected with USH2A-related conditions. ClinVar contains an entry for this variant (Variation ID: 1464429). Advanced modeling of protein sequence and biophysical properties (such as structural, functional, and spatial information, amino acid conservation, physicochemical variation, residue mobility, and thermodynamic stability) performed at Invitae indicates that this missense variant is not expected to disrupt USH2A protein function with a negative predictive value of 95%. In summary, the available evidence is currently insufficient to determine the role of this variant in disease. Therefore, it has been classified as a Variant of Uncertain Significance.